The following is an entry in ClinVar:

ClinVar aggregate classification (germline): Uncertain significance (1 of 4 stars; one submission).

Conditions:
Fanconi anemia (FA). Also called: Fanconi's anemia. Identifiers: Orphanet 84, MedGen C0015625, MeSH D005199, MONDO:0019391.

Allele frequency attached by ClinVar (database versions not stated): TOPMed below 0.00001; gnomAD exomes 0.00001; ExAC 0.00002.
gnomAD v4.1: 8 of 1,595,852 alleles (0.0005%); highest among the groups gnomAD compares: African/African-American, 0.0013%; no homozygotes.

Submission:

Labcorp Genetics (formerly Invitae), Labcorp
Classification: Uncertain significance for Fanconi anemia. Last evaluated: 2021-05-16. Review status: criteria provided, single submitter. Criteria: Invitae Variant Classification Sherloc (09022015). Collection method: clinical testing. Allele origin: germline.
Comment: In summary, the available evidence is currently insufficient to determine the role of this variant in disease. Therefore, it has been classified as a Variant of Uncertain Significance. Nucleotide substitutions within the consensus splice site are a relatively common cause of aberrant splicing (PMID: 17576681, 9536098). Algorithms developed to predict the effect of sequence changes on RNA splicing suggest that this variant may disrupt the consensus splice site, but this prediction has not been confirmed by published transcriptional studies. Algorithms developed to predict the effect of missense changes on protein structure and function are either unavailable or do not agree on the potential impact of this missense change (SIFT: "Tolerated"; PolyPhen-2: "Possibly Damaging"; Align-GVGD: "Class C0"). This variant has not been reported in the literature in individuals with FANCI-related conditions. This variant is present in population databases (rs760646851, ExAC 0.003%). This sequence change replaces glutamic acid with aspartic acid at codon 1308 of the FANCI protein (p.Glu1308Asp). The glutamic acid residue is weakly conserved and there is a small physicochemical difference between glutamic acid and aspartic acid. This variant also falls at the last nucleotide of exon 37, which is part of the consensus splice site for this exon.

Literature cited by the submitters: PubMed 17576681; PubMed 9536098.

NM_001113378.2(FANCI):c.3924G>C (p.Glu1308Asp)

Gene: FANCI (FA complementation group I; plus strand). Cytogenetic location: 15q26.1.
Variant type: single nucleotide variant.
Coding change: c.3924G>C on transcript NM_001113378.2 (MANE Select); coding-DNA position 3924, G replaced by C.
Protein change: p.Glu1308Asp; replaces glutamic acid 1308 with aspartic acid.
Molecular consequence: missense variant.
Genome position (GRCh38, 1-based): chr15:89,315,389, G>C. VCF-style: chr15-89315389-G-C. GRCh37 (hg19) VCF-style: chr15-89858620-G-C.
Other names: c.3645G>C, p.Glu1215Asp (NM_001376910.1); c.3924G>C, p.Glu1308Asp (NM_001376911.1); c.3744G>C, p.Glu1248Asp (NM_018193.3); short protein forms E1248D, E1215D, E1308D.
Identifiers: ClinVar variation 1440683 (VCV001440683.6), dbSNP rs760646851, ClinGen allele CA7723957.
Genomic context (GRCh38, chr15:89,315,389, plus strand): 5'-GATCAAAGGAAACATCCTAGACATGGTTCTTCGAGAGGATGGTGAAGATGAAAATGAAGA[G>C]GTCAGTGCTGGCTTCTGTCTGGAGCCCAGCCACTCTTCCTAGCTGGTTAGCAGCCTATCT-3'
Protein context (NP_001106849.1, residues 1298-1318): LREDGEDENE[Glu1308Asp]GTASEHGGQN